The following is an entry in ClinVar:

NM_000179.3(MSH6):c.926C>A (p.Ser309Tyr)

Gene: MSH6 (mutS homolog 6; plus strand). Cytogenetic location: 2p16.3.
Variant type: single nucleotide variant.
Coding change: c.926C>A on transcript NM_000179.3 (MANE Select); coding-DNA position 926, C replaced by A.
Protein change: p.Ser309Tyr; replaces serine 309 with tyrosine.
Molecular consequence: missense variant.
Genome position (GRCh38, 1-based): chr2:47,798,909, C>A. VCF-style: chr2-47798909-C-A. GRCh37 (hg19) VCF-style: chr2-48026048-C-A.
Other names: c.536C>A, p.Ser179Tyr (NM_001281492.2); c.20C>A, p.Ser7Tyr (NM_001281493.2, NM_001281494.2); short protein forms S309Y, S7Y, S179Y.
Identifiers: ClinVar variation 479897 (VCV000479897.10), dbSNP rs544222338, ClinGen allele CA073578.

ClinVar aggregate classification (germline): Conflicting classifications of pathogenicity. Review status: criteria provided, conflicting classifications (1 of 4 stars). 2 submissions from 2 submitters: Uncertain significance (1); Likely benign (1). Last evaluated 2025-06-01.

Conditions:
Hereditary nonpolyposis colorectal neoplasms. Identifiers: MedGen C0009405, MeSH D003123.
Hereditary cancer-predisposing syndrome. Also called: Hereditary Cancer Syndrome; Neoplastic Syndromes, Hereditary; Tumor predisposition; Hereditary neoplastic syndrome. Identifiers: Orphanet 140162, MedGen C0027672, MeSH D009386, MONDO:0015356.

Allele frequency attached by ClinVar (database versions not stated): TOPMed 0.00001.
gnomAD v4.1: 2 of 1,614,042 alleles (0.00012%); highest among the groups gnomAD compares: East Asian, 0.0022%; no homozygotes.

Submissions (2):

Labcorp Genetics (formerly Invitae), Labcorp
Classification: Likely benign for Hereditary nonpolyposis colorectal neoplasms. Last evaluated: 2025-06-01. Review status: criteria provided, single submitter. Criteria: Invitae Variant Classification Sherloc (09022015). Collection method: clinical testing. Allele origin: germline.

Ambry Genetics
Classification: Uncertain significance for Hereditary cancer-predisposing syndrome. Last evaluated: 2016-04-04. Review status: criteria provided, single submitter. Criteria: Ambry Variant Classification Scheme 2023. Collection method: clinical testing. Allele origin: germline.
Comment: The p.S309Y variant (also known as c.926C>A), located in coding exon 4 of the MSH6 gene, results from a C to A substitution at nucleotide position 926. The serine at codon 309 is replaced by tyrosine, an amino acid with dissimilar properties. This variant was not reported in population based cohorts in the following databases: Database of Single Nucleotide Polymorphisms (dbSNP), NHLBI Exome Sequencing Project (ESP), and 1000 Genomes Project. In the ESP, this variant was not observed in 6503 samples (13006 alleles) with coverage at this position.To date, this alteration has been detected with an allele frequency of approximately 0.001% (greater than 115000 alleles tested) in our clinical cohort. This amino acid position is not well conserved in available vertebrate species. In addition, this alteration is predicted to be tolerated by in silico analysis. In addition, the CoDP in silico tool predicts this alteration to have minor impact on molecular function, with a score of 0.013 (Terui H et al. J. Biomed. Sci. 2013;20:25). Since supporting evidence is limited at this time, the clinical significance of this alteration remains unclear.